The following is an entry in ClinVar:

ClinVar aggregate classification (germline): Uncertain significance (1 of 4 stars; one submission).

Conditions:
RASopathy. Also called: rasopathies; Noonan spectrum disorder. Identifiers: Orphanet 536391, MedGen C5555857, MONDO:0021060.

Allele frequency attached by ClinVar (database versions not stated): gnomAD exomes below 0.00001; TOPMed below 0.00001.
gnomAD v4.1: 1 of 1,612,502 alleles (0.000062%); highest among the groups gnomAD compares: Non-Finnish European, 0.000085%; no homozygotes.

Submission:

Labcorp Genetics (formerly Invitae), Labcorp
Classification: Uncertain significance for RASopathy. Last evaluated: 2025-06-03. Review status: criteria provided, single submitter. Criteria: Invitae Variant Classification Sherloc (09022015). Collection method: clinical testing. Allele origin: germline.
Comment: This sequence change falls in intron 15 of the BRAF gene. It does not directly change the encoded amino acid sequence of the BRAF protein. It affects a nucleotide within the consensus splice site. This variant is not present in population databases (gnomAD no frequency). This variant has not been reported in the literature in individuals affected with BRAF-related conditions. ClinVar contains an entry for this variant (Variation ID: 2908214). Variants that disrupt the consensus splice site are a relatively common cause of aberrant splicing (PMID: 17576681, 9536098). Algorithms developed to predict the effect of sequence changes on RNA splicing suggest that this variant is not likely to affect RNA splicing. In summary, the available evidence is currently insufficient to determine the role of this variant in disease. Therefore, it has been classified as a Variant of Uncertain Significance.

Literature cited by the submitters: PubMed 17576681; PubMed 9536098.

NM_004333.6(BRAF):c.1861-3C>T

Gene: BRAF (B-Raf proto-oncogene, serine/threonine kinase; minus strand). Cytogenetic location: 7q34.
Variant type: single nucleotide variant.
Coding change: c.1861-3C>T on transcript NM_004333.6 (MANE Select); 3 bases into the intron before coding-DNA position 1861, C replaced by T.
Molecular consequence: intron variant.
Genome position (GRCh38, 1-based): chr7:140,749,421, G>A on the plus strand (C>T on the coding strand, the complement: BRAF is on the minus strand). VCF-style: chr7-140749421-G-A. GRCh37 (hg19) VCF-style: chr7-140449221-G-A.
Other names: c.1861-3C>T (NM_001378474.1, NM_001378468.1, NM_001354609.2); c.1759-3C>T (NM_001378470.1); c.1597-3C>T (NM_001378475.1); c.1750-3C>T (NM_001378471.1); c.1981-3C>T (NM_001374258.1, NM_001374244.1); c.1870-3C>T (NM_001378467.1); c.1705-3C>T (NM_001378472.1, NM_001378473.1); c.1795-3C>T (NM_001378469.1).
Identifiers: ClinVar variation 2908214 (VCV002908214.3), dbSNP rs1797607274, ClinGen allele CA1747708267.
Genomic context (GRCh38, chr7:140,749,421, plus strand): 5'-ATACATCTGACTGAAAGCTGTATGGATTTTTATCTTGCATTCTGATGACTTCTGGTGCCT[G>A]TTAGAACATACAAAGAAAAATATTCTTCACTTCAATTGAATAAAGACTGAAAAACAACCT-3'